The following is an entry in ClinVar:

ClinVar aggregate classification (germline): Uncertain significance. Review status: criteria provided, multiple submitters, no conflicts (2 of 4 stars). 2 submissions from 2 submitters: Uncertain significance (2). Last evaluated 2025-11-21.

Conditions:
Dilated cardiomyopathy 1JJ (CMD1JJ). Identifiers: Orphanet 154, MedGen C3808935, MONDO:0014095, OMIM 615235.

Allele frequency attached by ClinVar (database versions not stated): TOPMed below 0.00001.

Submissions (2):

Labcorp Genetics (formerly Invitae), Labcorp
Classification: Uncertain significance for Dilated cardiomyopathy 1JJ. Last evaluated: 2025-11-21. Review status: criteria provided, single submitter. Criteria: Invitae Variant Classification Sherloc (09022015). Collection method: clinical testing. Allele origin: germline.
Comment: This sequence change replaces valine, which is neutral and non-polar, with alanine, which is neutral and non-polar, at codon 1702 of the LAMA4 protein (p.Val1702Ala). This variant is not present in population databases (gnomAD no frequency). This variant has not been reported in the literature in individuals affected with LAMA4-related conditions. ClinVar contains an entry for this variant (Variation ID: 1421699). Invitae Evidence Modeling of protein sequence and biophysical properties (such as structural, functional, and spatial information, amino acid conservation, physicochemical variation, residue mobility, and thermodynamic stability) indicates that this missense variant is not expected to disrupt LAMA4 protein function with a negative predictive value of 80%. In summary, the available evidence is currently insufficient to determine the role of this variant in disease. Therefore, it has been classified as a Variant of Uncertain Significance.

GeneDx
Classification: Uncertain significance. Last evaluated: 2022-03-21. Review status: criteria provided, single submitter. Criteria: GeneDx Variant Classification Process June 2021. Collection method: clinical testing. Allele origin: germline. Affected: yes.
Comment: Has not been previously published as pathogenic or benign to our knowledge; Not observed at significant frequency in large population cohorts (gnomAD); In silico analysis supports that this missense variant does not alter protein structure/function

NM_001105206.3(LAMA4):c.5126T>C (p.Val1709Ala)

Gene: LAMA4 (laminin subunit alpha 4; minus strand). Cytogenetic location: 6q21.
Variant type: single nucleotide variant.
Coding change: c.5126T>C on transcript NM_001105206.3 (MANE Select); coding-DNA position 5126, T replaced by C.
Protein change: p.Val1709Ala; replaces valine 1709 with alanine.
Molecular consequence: missense variant.
Genome position (GRCh38, 1-based): chr6:112,114,743, A>G on the plus strand (T>C on the coding strand, the complement: LAMA4 is on the minus strand). VCF-style: chr6-112114743-A-G. GRCh37 (hg19) VCF-style: chr6-112435946-A-G.
Other names: c.5105T>C, p.Val1702Ala (NM_001105207.3, NM_002290.5); short protein forms V1709A, V1702A.
Identifiers: ClinVar variation 1421699 (VCV001421699.7), dbSNP rs1777912190, ClinGen allele CA365365002.